The following is an entry in ClinVar:

ClinVar aggregate classification (germline): Benign/Likely benign. Review status: criteria provided, multiple submitters, no conflicts (2 of 4 stars). 9 submissions from 9 submitters: Benign (8); Likely benign (1). Last evaluated 2026-02-04.

Conditions:
Congenital myasthenic syndrome 4C (CMS4C). Also called: Myasthenic syndrome, congenital, associated with acetylcholine receptor deficiency. Identifiers: Orphanet 590, MedGen C1837091, MONDO:0012157, OMIM 608931.
Congenital myasthenic syndrome 2A. Also called: Myasthenic syndrome, congenital, 2a, slow-channel. Identifiers: Orphanet 590, MedGen C4225374, MONDO:0014581, OMIM 616313.

Allele frequency attached by ClinVar (database versions not stated): 1000 Genomes Project 0.12061; 1000 Genomes Project 30x 0.12289; TOPMed 0.23146; gnomAD 0.24064 and 0.24673; gnomAD exomes 0.24788 and 0.32857; ExAC 0.25394; ESP Exome Variant Server 0.25585.
gnomAD v4.1: 514,968 of 1,612,188 alleles (32%); highest among the groups gnomAD compares: Non-Finnish European, 37%; 91,748 homozygotes.

Submissions (9):

Labcorp Genetics (formerly Invitae), Labcorp
Classification: Benign for Congenital myasthenic syndrome 2A. Last evaluated: 2026-02-04. Review status: criteria provided, single submitter. Criteria: Invitae Variant Classification Sherloc (09022015). Collection method: clinical testing. Allele origin: germline.

Blueprint Genetics
Classification: Likely benign. Last evaluated: 2024-11-28. Review status: criteria provided, single submitter. Criteria: ACMG Guidelines, 2015. Collection method: clinical testing. Allele origin: germline.

Mendelics
Classification: Benign for Congenital myasthenic syndrome 2A. Last evaluated: 2019-05-28. Review status: criteria provided, single submitter. Criteria: Mendelics Assertion Criteria 2017. Collection method: clinical testing. Allele origin: unknown.

Illumina Laboratory Services, Illumina
Classification: Benign for Congenital myasthenic syndrome 4C. Last evaluated: 2018-01-12. Review status: criteria provided, single submitter. Criteria: ICSL Variant Classification Criteria 13 December 2019. Collection method: clinical testing. Allele origin: germline.
Comment: This variant was observed in the ICSL laboratory as part of a predisposition screen in an ostensibly healthy population. It had not been previously curated by ICSL or reported in the Human Gene Mutation Database (HGMD: prior to June 1st, 2018), and was therefore a candidate for classification through an automated scoring system. Utilizing variant allele frequency, disease prevalence and penetrance estimates, and inheritance mode, an automated score was calculated to assess if this variant is too frequent to cause the disease. Based on the score and internal cut-off values, a variant classified as benign is not then subjected to further curation. The score for this variant resulted in a classification of benign for this disease.

Mayo Clinic Laboratories, Mayo Clinic
Classification: Benign. Last evaluated: 2017-07-24. Review status: criteria provided, single submitter. Criteria: ACMG Guidelines, 2015. Collection method: clinical testing. Allele origin: germline. Observed: 235 variant alleles.

GeneDx
Classification: Benign. Last evaluated: 2016-04-07. Review status: criteria provided, single submitter. Criteria: GeneDx Variant Classification (06012015). Collection method: clinical testing. Allele origin: germline. Affected: yes.
Comment: This variant is considered likely benign or benign based on one or more of the following criteria: it is a conservative change, it occurs at a poorly conserved position in the protein, it is predicted to be benign by multiple in silico algorithms, and/or has population frequency not consistent with disease.

PreventionGenetics, part of Exact Sciences
Classification: Benign. Last evaluated: 2016-02-14. Review status: criteria provided, single submitter. Criteria: ACMG Guidelines, 2015. Collection method: clinical testing. Allele origin: germline.

Genetic Services Laboratory, University of Chicago
Classification: Benign for AllHighlyPenetrant. Last evaluated: 2013-08-15. Review status: criteria provided, single submitter. Criteria: ACMG Guidelines, 2007. Collection method: clinical testing. Allele origin: germline.

Breakthrough Genomics
Classification: Benign. Review status: criteria provided, single submitter. Criteria: ACMG Guidelines, 2015. Collection method: not provided. Allele origin: germline. Inheritance: Autosomal recessive inheritance. Affected: yes.

NM_000747.3(CHRNB1):c.95A>G (p.Glu32Gly)

Gene: CHRNB1 (cholinergic receptor nicotinic beta 1 subunit; plus strand). Cytogenetic location: 17p13.1.
Variant type: single nucleotide variant.
Coding change: c.95A>G on transcript NM_000747.3 (MANE Select); coding-DNA position 95, A replaced by G.
Protein change: p.Glu32Gly; replaces glutamic acid 32 with glycine.
Molecular consequence: missense variant.
Genome position (GRCh38, 1-based): chr17:7,445,306, A>G. VCF-style: chr17-7445306-A-G. GRCh37 (hg19) VCF-style: chr17-7348625-A-G.
Other names: short protein forms E32G.
Identifiers: ClinVar variation 128754 (VCV000128754.22), dbSNP rs17856697, ClinGen allele CA152393.